The following is an entry in ClinVar:

ClinVar aggregate classification (germline): Uncertain significance (1 of 4 stars; one submission).

Conditions:
Hereditary pancreatitis (PCTT). Also called: Hereditary chronic pancreatitis; PRSS1-Related Hereditary Pancreatitis. Identifiers: Orphanet 676, MedGen C0238339, MONDO:0008185, OMIM 167800.

Submission:

Ambry Genetics
Classification: Uncertain significance for Hereditary pancreatitis. Last evaluated: 2025-09-10. Review status: criteria provided, single submitter. Criteria: Ambry Variant Classification Scheme 2023. Collection method: clinical testing. Allele origin: germline.
Comment: The c.221dupG variant, located in coding exon 3 of the PRSS1 gene, results from a duplication of G at nucleotide position 221, causing a translational frameshift with a predicted alternate stop codon (p.E75Rfs*11). This alteration is expected to result in premature protein truncation or nonsense-mediated mRNA decay. However, loss of function of PRSS1 has not been clearly established as a mechanism of disease. Since supporting evidence is limited at this time, the clinical significance of this alteration remains unclear.

NM_002769.5(PRSS1):c.221dup (p.Glu75fs)

Genes: PRSS1 (serine protease 1; plus strand), TRB (T cell receptor beta locus; plus strand). Cytogenetic location: 7q34.
Variant type: Duplication.
Coding change: c.221dup on transcript NM_002769.5 (MANE Select); coding-DNA position 221, one base duplicated (G; older notation c.221dupG).
Protein change: p.Glu75fs; shifts the reading frame from glutamic acid 75.
Molecular consequence: frameshift variant. On other transcripts: non-coding transcript variant (2).
Genome position (GRCh38, 1-based): chr7:142,751,794, G duplicated; the last of 3 consecutive G bases (chr7:142,751,792-142,751,794); duplicating any one gives the same sequence. VCF-style (leftmost placement, unchanged base first): chr7-142751791-T-TG. GRCh37 (hg19) VCF-style: chr7-142459642-T-TG.
Other names: short protein forms E75fs.
Identifiers: ClinVar variation 1787906 (VCV001787906.3), dbSNP rs2485752405, ClinGen allele CA2580077657.